The following is an entry in ClinVar:

ClinVar aggregate classification (germline): Benign (1 of 4 stars; one submission).

Conditions:
Pyruvate dehydrogenase E1-alpha deficiency (PDHAD). Also called: ATAXIA, INTERMITTENT, WITH PYRUVATE DEHYDROGENASE DEFICIENCY; ATAXIA WITH LACTIC ACIDOSIS I; ATAXIA, INTERMITTENT, WITH ABNORMAL PYRUVATE METABOLISM; Ataxia, intermittent, with pyruvate dehydrogenase, or decarboxylase, deficiency. Identifiers: Orphanet 79243, MedGen C1839413, MONDO:0010717, OMIM 312170.

Allele frequency attached by ClinVar (database versions not stated): gnomAD exomes 0.00098; gnomAD 0.00961 and 0.01025; 1000 Genomes Project 30x 0.00999; 1000 Genomes Project 0.01007; TOPMed 0.01121.
gnomAD v4.1: 1,588 of 572,331 alleles (0.28%); highest among the groups gnomAD compares: African/African-American, 3.2%; 14 homozygotes.

Submission:

Illumina Laboratory Services, Illumina
Classification: Benign for Pyruvate dehydrogenase E1-alpha deficiency. Last evaluated: 2018-01-13. Review status: criteria provided, single submitter. Criteria: ICSL Variant Classification Criteria 13 December 2019. Collection method: clinical testing. Allele origin: germline.
Comment: This variant was observed in the ICSL laboratory as part of a predisposition screen in an ostensibly healthy population. It had not been previously curated by ICSL or reported in the Human Gene Mutation Database (HGMD: prior to June 1st, 2018), and was therefore a candidate for classification through an automated scoring system. Utilizing variant allele frequency, disease prevalence and penetrance estimates, and inheritance mode, an automated score was calculated to assess if this variant is too frequent to cause the disease. Based on the score and internal cut-off values, a variant classified as benign is not then subjected to further curation. The score for this variant resulted in a classification of benign for this disease.

NM_000284.4(PDHA1):c.*1563C>G

Genes: MAP3K15 (mitogen-activated protein kinase kinase kinase 15; minus strand), PDHA1 (pyruvate dehydrogenase E1 subunit alpha 1; plus strand). Cytogenetic location: Xp22.12.
Variant type: single nucleotide variant.
Coding change: c.*1563C>G on transcript NM_000284.4 (MANE Select); 1563 bases downstream of the stop codon, C replaced by G.
Molecular consequence: 3 prime UTR variant. On other transcripts: intron variant (1).
Genome position (GRCh38, 1-based): chrX:19,361,216, C>G. VCF-style: chrX-19361216-C-G. GRCh37 (hg19) VCF-style: chrX-19379334-C-G.
Other names: c.*1563C>G (NM_001173454.2, NM_001173455.2, NM_001173456.2); c.3857+123G>C (NM_001001671.4).
Identifiers: ClinVar variation 913019 (VCV000913019.4), dbSNP rs7883708, ClinGen allele CA327032972.